The following is an entry in ClinVar:

ClinVar aggregate classification (germline): Uncertain significance (1 of 4 stars; one submission).

Conditions:
Fanconi anemia complementation group Q. Identifiers: Orphanet 84, MedGen C3808988, MONDO:0014108, OMIM 615272.
Cockayne syndrome. Identifiers: Orphanet 191, MedGen C0009207, MONDO:0016006.
Xeroderma pigmentosum, group F (XPF). Also called: XERODERMA PIGMENTOSUM VI; XP, GROUP F; XERODERMA PIGMENTOSUM, TYPE F; Xeroderma pigmentosum, type 6; ERCC4-Related Xeroderma Pigmentosum; XERODERMA PIGMENTOSUM, COMPLEMENTATION GROUP F. Identifiers: MedGen C0268140, MONDO:0010215, OMIM 278760.

Allele frequency attached by ClinVar (database versions not stated): gnomAD exomes below 0.00001; gnomAD 0.00002; TOPMed 0.00004.

Submission:

Labcorp Genetics (formerly Invitae), Labcorp
Classification: Uncertain significance for Fanconi anemia complementation group Q; Xeroderma pigmentosum, group F; Cockayne syndrome. Last evaluated: 2023-05-09. Review status: criteria provided, single submitter. Criteria: Invitae Variant Classification Sherloc (09022015). Collection method: clinical testing. Allele origin: germline.
Comment: ClinVar contains an entry for this variant (Variation ID: 2029594). Advanced modeling of protein sequence and biophysical properties (such as structural, functional, and spatial information, amino acid conservation, physicochemical variation, residue mobility, and thermodynamic stability) performed at Invitae indicates that this missense variant is not expected to disrupt ERCC4 protein function. In summary, the available evidence is currently insufficient to determine the role of this variant in disease. Therefore, it has been classified as a Variant of Uncertain Significance. This sequence change replaces isoleucine, which is neutral and non-polar, with valine, which is neutral and non-polar, at codon 229 of the ERCC4 protein (p.Ile229Val). This variant is not present in population databases (gnomAD no frequency). This variant has not been reported in the literature in individuals affected with ERCC4-related conditions.

NM_005236.3(ERCC4):c.685A>G (p.Ile229Val)

Gene: ERCC4 (ERCC excision repair 4, endonuclease catalytic subunit; plus strand). Cytogenetic location: 16p13.12.
Variant type: single nucleotide variant.
Coding change: c.685A>G on transcript NM_005236.3 (MANE Select); coding-DNA position 685, A replaced by G.
Protein change: p.Ile229Val; replaces isoleucine 229 with valine.
Molecular consequence: missense variant.
Genome position (GRCh38, 1-based): chr16:13,928,128, A>G. VCF-style: chr16-13928128-A-G. GRCh37 (hg19) VCF-style: chr16-14021985-A-G.
Other names: short protein forms I229V.
Identifiers: ClinVar variation 2029594 (VCV002029594.4), dbSNP rs1022507611, ClinGen allele CA278464381.